The following is an entry in ClinVar:

NM_000179.3(MSH6):c.1611G>A (p.Lys537=)

Gene: MSH6 (mutS homolog 6; plus strand). Cytogenetic location: 2p16.3.
Variant type: single nucleotide variant.
Coding change: c.1611G>A on transcript NM_000179.3 (MANE Select); coding-DNA position 1611, G replaced by A.
Protein change: p.Lys537=; no amino-acid change (lysine 537 retained).
Molecular consequence: synonymous variant.
Genome position (GRCh38, 1-based): chr2:47,799,594, G>A. VCF-style: chr2-47799594-G-A. GRCh37 (hg19) VCF-style: chr2-48026733-G-A.
Other names: c.1221G>A, p.Lys407= (NM_001281492.2); c.705G>A, p.Lys235= (NM_001281493.2, NM_001281494.2).
Identifiers: ClinVar variation 187493 (VCV000187493.16), dbSNP rs786203776, ClinGen allele CA008873.

ClinVar aggregate classification (germline): Benign/Likely benign. Review status: criteria provided, multiple submitters, no conflicts (2 of 4 stars). 4 submissions from 4 submitters: Benign (1); Likely benign (3). Last evaluated 2024-12-27.

Conditions:
Hereditary nonpolyposis colorectal neoplasms. Identifiers: MedGen C0009405, MeSH D003123.
Hereditary cancer-predisposing syndrome. Also called: Neoplastic Syndromes, Hereditary; Tumor predisposition; Hereditary Cancer Syndrome; Hereditary neoplastic syndrome. Identifiers: Orphanet 140162, MedGen C0027672, MeSH D009386, MONDO:0015356.
Lynch syndrome 5 (LYNCH5). Also called: Colorectal cancer, hereditary nonpolyposis, type 5; Hereditary non-polyposis colorectal cancer, type 5. Identifiers: Orphanet 144, MedGen C1833477, MONDO:0013710, OMIM 614350. Disease mechanism: loss of function.

Submissions (4):

Myriad Genetics, Inc.
Classification: Benign for Lynch syndrome 5. Last evaluated: 2024-12-27. Review status: criteria provided, single submitter. Criteria: Myriad Autosomal Dominant, Autosomal Recessive and X-Linked Classification Criteria (2023). Collection method: clinical testing. Allele origin: unknown.
Comment: This variant is considered benign. This variant is a silent/synonymous amino acid change and it is not expected to impact splicing.

Labcorp Genetics (formerly Invitae), Labcorp
Classification: Likely benign for Hereditary nonpolyposis colorectal neoplasms. Last evaluated: 2023-06-23. Review status: criteria provided, single submitter. Criteria: Invitae Variant Classification Sherloc (09022015). Collection method: clinical testing. Allele origin: germline.

Color Diagnostics, LLC DBA Color Health
Classification: Likely benign for Hereditary cancer-predisposing syndrome. Last evaluated: 2019-08-12. Review status: criteria provided, single submitter. Criteria: ACMG Guidelines, 2015. Collection method: clinical testing. Allele origin: germline.

Ambry Genetics
Classification: Likely benign for Hereditary cancer-predisposing syndrome. Last evaluated: 2014-12-22. Review status: criteria provided, single submitter. Criteria: Ambry Variant Classification Scheme 2023. Collection method: clinical testing. Allele origin: germline.